The following is an entry in ClinVar:

NM_000123.4(ERCC5):c.193C>T (p.Leu65Phe)

Genes: BIVM-ERCC5 (BIVM-ERCC5 readthrough; plus strand), ERCC5 (ERCC excision repair 5, endonuclease; plus strand). Cytogenetic location: 13q33.1.
Variant type: single nucleotide variant.
Coding change: c.193C>T on transcript NM_000123.4 (MANE Select); coding-DNA position 193, C replaced by T.
Protein change: p.Leu65Phe; replaces leucine 65 with phenylalanine.
Molecular consequence: missense variant.
Genome position (GRCh38, 1-based): chr13:102,852,222, C>T. VCF-style: chr13-102852222-C-T. GRCh37 (hg19) VCF-style: chr13-103504572-C-T.
Other names: c.1555C>T (NM_001204425.1); c.1555C>T, p.Leu519Phe (NM_001204425.2); short protein forms L519F, L65F.
Identifiers: ClinVar variation 1902655 (VCV001902655.4), dbSNP rs776140428, ClinGen allele CA7041070.
Genomic context (GRCh38, chr13:102,852,222, plus strand): 5'-CGCCATGGGAACTCAATAGAAAATCCTCATCTTCTCACTTTGTTTCATCGGCTCTGCAAA[C>T]TCTTATTTTTTCGAATTCGTCCTATTTTTGTGTTTGATGGGGATGCTCCACTATTGAAGA-3'
Protein context (NP_000114.3, residues 55-75): LLTLFHRLCK[Leu65Phe]LFFRIRPIFV

ClinVar aggregate classification (germline): Uncertain significance. Review status: criteria provided, multiple submitters, no conflicts (2 of 4 stars). 2 submissions from 2 submitters: Uncertain significance (2). Last evaluated 2025-08-28.

Allele frequency attached by ClinVar (database versions not stated): gnomAD 0.00001; gnomAD exomes 0.00002; TOPMed 0.00002; ExAC 0.00007.

Submissions (2):

Ambry Genetics
Classification: Uncertain significance. Last evaluated: 2025-08-28. Review status: criteria provided, single submitter. Criteria: Ambry Variant Classification Scheme 2023. Collection method: clinical testing. Allele origin: germline.

Labcorp Genetics (formerly Invitae), Labcorp
Classification: Uncertain significance. Last evaluated: 2024-04-05. Review status: criteria provided, single submitter. Criteria: Invitae Variant Classification Sherloc (09022015). Collection method: clinical testing. Allele origin: germline.
Comment: This sequence change replaces leucine, which is neutral and non-polar, with phenylalanine, which is neutral and non-polar, at codon 65 of the ERCC5 protein (p.Leu65Phe). This variant is present in population databases (rs776140428, gnomAD 0.01%). This variant has not been reported in the literature in individuals affected with ERCC5-related conditions. ClinVar contains an entry for this variant (Variation ID: 1902655). An algorithm developed to predict the effect of missense changes on protein structure and function (PolyPhen-2) suggests that this variant is likely to be disruptive. In summary, the available evidence is currently insufficient to determine the role of this variant in disease. Therefore, it has been classified as a Variant of Uncertain Significance.